The following is an entry in ClinVar:

ClinVar aggregate classification (germline): Pathogenic (1 of 4 stars; one submission).

Conditions:
Cardiovascular phenotype. Identifiers: MedGen CN230736.
Hereditary cancer-predisposing syndrome. Also called: Neoplastic Syndromes, Hereditary; Tumor predisposition; Hereditary Cancer Syndrome; Hereditary neoplastic syndrome. Identifiers: Orphanet 140162, MedGen C0027672, MeSH D009386, MONDO:0015356.

Submission:

Ambry Genetics
Classification: Pathogenic for Cardiovascular phenotype; Hereditary cancer-predisposing syndrome. Last evaluated: 2025-09-19. Review status: criteria provided, single submitter. Criteria: Ambry Variant Classification Scheme 2023. Collection method: clinical testing. Allele origin: germline.
Comment: The c.1214dupG pathogenic mutation, located in coding exon 11 of the LZTR1 gene, results from a duplication of G at nucleotide position 1214, causing a translational frameshift with a predicted alternate stop codon (p.T406Hfs*21). This alteration is expected to result in loss of function by premature protein truncation or nonsense-mediated mRNA decay. This variant is considered to be rare based on population cohorts in the Genome Aggregation Database (gnomAD). Loss-of-function variants in LZTR1 are related to an increased risk for schwannomas and autosomal recessive Noonan syndrome; however, such associations with autosomal dominant Noonan syndrome have not been observed (Piotrowski A et al. Nat Genet. 2014 Feb;46:182-7; Yamamoto GL et al. J Med Genet. 2015 Jun;52:413-21; Johnston JJ et al. Genet Med. 2018 10;20:1175-1185). Based on the supporting evidence, this variant is pathogenic for an increased risk of LZTR1-related schwannomatosis (SWN) and would be expected to cause autosomal recessive Noonan syndrome when present along with a second pathogenic or likely pathogenic variant on the other allele; however, the association of this alteration with autosomal dominant Noonan syndrome is unlikely.

NM_006767.4(LZTR1):c.1214dup (p.Thr406fs)

Gene: LZTR1 (leucine zipper like post translational regulator 1; plus strand). Cytogenetic location: 22q11.21.
Variant type: Duplication.
Coding change: c.1214dup on transcript NM_006767.4 (MANE Select); coding-DNA position 1214, one base duplicated (G; older notation c.1214dupG).
Protein change: p.Thr406fs; shifts the reading frame from threonine 406.
Molecular consequence: frameshift variant.
Genome position (GRCh38, 1-based): chr22:20,992,858, G duplicated; the last of 5 consecutive G bases (chr22:20,992,854-20,992,858); duplicating any one gives the same sequence. VCF-style (leftmost placement, unchanged base first): chr22-20992853-C-CG. GRCh37 (hg19) VCF-style: chr22-21347142-C-CG.
Other names: short protein forms T406fs.
Identifiers: ClinVar variation 4615606 (VCV004615606.1).
Genomic context (GRCh38, chr22:20,992,853, plus strand): 5'-GCTGCCCAGTGGGAGGCTCTTCCACGCGGCTGCTGTCATCTCGGACGCCATGTACATCTT[C>CG]GGGGGCACGGTGGACAACAACATCCGCAGCGGGGAGATGTACAGGTTCCAGGTGTGGGGC-3'